The following is an entry in ClinVar:

ClinVar aggregate classification (germline): Conflicting classifications of pathogenicity. Review status: criteria provided, conflicting classifications (1 of 4 stars). 2 submissions from 2 submitters: Likely pathogenic (1); Uncertain significance (1). Last evaluated 2025-04-29.

Conditions:
Autosomal dominant SCN1A-related disorders.
SCN1A-related disorder. Also called: SCN1A-related conditions; SCN1A-related condition; SCN1A-related disorders.

gnomAD v4.1: 14 of 1,612,004 alleles (0.00087%); highest among the groups gnomAD compares: East Asian, 0.031%; no homozygotes.

Submissions (2):

Variantyx, Inc.
Classification: Likely pathogenic for Autosomal dominant SCN1A-related disorders. Last evaluated: 2025-04-29. Review status: criteria provided, single submitter. Criteria: Variantyx Assertion Criteria 2022. Collection method: clinical testing. Allele origin: germline. Inheritance: Autosomal dominant inheritance. Affected: yes.
Comment: This is an intronic variant in the SCN1A gene (OMIM: 182389). Pathogenic variants in this gene have been associated with autosomal dominant SCN1A-related disorders. This splicing variant has been shown to result in a truncated protein and reduction in channel function (PMID: 35359575, 34293681); however, complete loss of function cannot be predicted with confidence. Loss of function is a known mechanism of disease for SCN1A in this disorder (PMID: 35359575, 34293681) (PVS1_Strong). This variant has been reported in at least one affected individual (PMID:34293681) (PS4), while it has a 0.0312% maximum allele frequency in non-founder control populations (PM2). Based on the current evidence, this variant is classified as likely pathogenic for autosomal dominant SCN1A-related disorders. Inheritance from an unaffected or mildly affected parent has been reported, consistent with incomplete penetrance and variable expressivity (PMID: 20301494, 31904117).

3billion
Classification: Uncertain significance for SCN1A-related disorder. Last evaluated: 2025-01-09. Review status: criteria provided, single submitter. Criteria: ACMG Guidelines, 2015. Collection method: clinical testing. Allele origin: germline. Affected: yes.
Comment: The variant is observed at an extremely low frequency in the gnomAD v4.1.0 dataset (total allele frequency: <0.001%). Predicted Consequence/Location: Intron variant: previously reported to alter splicing from an in vitro assay and reduce expression level of the gene (PMID: 34293681). In silico tools predict the variant to alter splicing and produce an abnormal transcript [SpliceAI: 0.13 (spliceogenicity >=0.2, non-spliceogenicity <0.1)]. Intron variant: previously reported to alter splicing from an in vitro assay and reduce expression level of the gene (PMID: 34293681). Therefore, this variant is classified as VUS according to the recommendation of ACMG/AMP guideline.

Literature cited by the submitters: PubMed 35359575 (cited by Variantyx, Inc.); PubMed 34293681 (cited by Variantyx, Inc. and 3billion).

NM_001165963.4(SCN1A):c.4853-25T>A

Genes: SCN1A (sodium voltage-gated channel alpha subunit 1; minus strand), LOC102724058 (uncharacterized LOC102724058; plus strand). Cytogenetic location: 2q24.3.
Variant type: single nucleotide variant.
Coding change: c.4853-25T>A on transcript NM_001165963.4 (MANE Select); 25 bases into the intron before coding-DNA position 4853, T replaced by A.
Molecular consequence: intron variant.
Genome position (GRCh38, 1-based): chr2:165,992,447, A>T on the plus strand (T>A on the coding strand, the complement: SCN1A is on the minus strand). VCF-style: chr2-165992447-A-T. GRCh37 (hg19) VCF-style: chr2-166848957-A-T.
Other names: c.4820-25T>A (NM_001353949.2, NM_001353950.2, NM_001353951.2 and 2 more transcripts); c.4769-25T>A (NM_001353958.2, NM_001353957.2, NM_001165964.3); c.4853-25T>A (NM_001202435.3, NM_001353948.2); c.4817-25T>A (NM_001353955.2, NM_001353954.2); c.4766-25T>A (NM_001353960.2); c.2411-25T>A (NM_001353961.2).
Identifiers: ClinVar variation 4292751 (VCV004292751.2).